The following is an entry in ClinVar:

NM_001252024.2(TRPM1):c.1233C>A (p.Ser411Arg)

Gene: TRPM1 (transient receptor potential cation channel subfamily M member 1; minus strand). Cytogenetic location: 15q13.3.
Variant type: single nucleotide variant.
Coding change: c.1233C>A on transcript NM_001252024.2 (MANE Select); coding-DNA position 1233, C replaced by A.
Protein change: p.Ser411Arg; replaces serine 411 with arginine.
Molecular consequence: missense variant.
Genome position (GRCh38, 1-based): chr15:31,060,574, G>T on the plus strand (C>A on the coding strand, the complement: TRPM1 is on the minus strand). VCF-style: chr15-31060574-G-T. GRCh37 (hg19) VCF-style: chr15-31352777-G-T.
Other names: c.1167C>A (NM_002420.4); c.1284C>A, p.Ser428Arg (NM_001252020.2); c.1167C>A, p.Ser389Arg (NM_002420.6); short protein forms S411R, S389R, S428R.
Identifiers: ClinVar variation 2051064 (VCV002051064.6), dbSNP rs766673024, ClinGen allele CA7452641.

ClinVar aggregate classification (germline): Uncertain significance. Review status: criteria provided, multiple submitters, no conflicts (2 of 4 stars). 3 submissions from 3 submitters: Uncertain significance (3). Last evaluated 2025-09-01.

Conditions:
Inborn genetic diseases. Identifiers: MedGen C0950123, MeSH D030342.

Allele frequency attached by ClinVar (database versions not stated): TOPMed 0.00001; gnomAD exomes 0.00002; ExAC 0.00003.
gnomAD v4.1: 10 of 1,614,224 alleles (0.00062%); highest among the groups gnomAD compares: Admixed American, 0.017%; no homozygotes.

Submissions (3):

Ambry Genetics
Classification: Uncertain significance for Inborn genetic diseases. Last evaluated: 2025-09-01. Review status: criteria provided, single submitter. Criteria: Ambry Variant Classification Scheme 2023. Collection method: clinical testing. Allele origin: germline.

Labcorp Genetics (formerly Invitae), Labcorp
Classification: Uncertain significance. Last evaluated: 2024-10-29. Review status: criteria provided, single submitter. Criteria: Invitae Variant Classification Sherloc (09022015). Collection method: clinical testing. Allele origin: germline.
Comment: This sequence change replaces serine, which is neutral and polar, with arginine, which is basic and polar, at codon 389 of the TRPM1 protein (p.Ser389Arg). This variant is present in population databases (rs766673024, gnomAD 0.03%). This variant has not been reported in the literature in individuals affected with TRPM1-related conditions. ClinVar contains an entry for this variant (Variation ID: 2051064). Invitae Evidence Modeling of protein sequence and biophysical properties (such as structural, functional, and spatial information, amino acid conservation, physicochemical variation, residue mobility, and thermodynamic stability) indicates that this missense variant is not expected to disrupt TRPM1 protein function with a negative predictive value of 95%. In summary, the available evidence is currently insufficient to determine the role of this variant in disease. Therefore, it has been classified as a Variant of Uncertain Significance.

Blueprint Genetics
Classification: Uncertain significance. Last evaluated: 2022-05-19. Review status: criteria provided, single submitter. Criteria: ACMG Guidelines, 2015. Collection method: clinical testing. Allele origin: germline.